The following is an entry in ClinVar:

NM_020937.4(FANCM):c.2867C>T (p.Ser956Leu)

Gene: FANCM (FA complementation group M; plus strand). Cytogenetic location: 14q21.2.
Variant type: single nucleotide variant.
Coding change: c.2867C>T on transcript NM_020937.4 (MANE Select); coding-DNA position 2867, C replaced by T.
Protein change: p.Ser956Leu; replaces serine 956 with leucine.
Molecular consequence: missense variant.
Genome position (GRCh38, 1-based): chr14:45,175,621, C>T. VCF-style: chr14-45175621-C-T. GRCh37 (hg19) VCF-style: chr14-45644824-C-T.
Other names: c.2789C>T, p.Ser930Leu (NM_001308133.2); short protein forms S930L, S956L.
Identifiers: ClinVar variation 4533128 (VCV004533128.2).

ClinVar aggregate classification (germline): Uncertain significance. Review status: criteria provided, multiple submitters, no conflicts (2 of 4 stars). 2 submissions from 2 submitters: Uncertain significance (2). Last evaluated 2026-03-11.

Conditions:
Inborn genetic diseases. Identifiers: MedGen C0950123, MeSH D030342.

gnomAD v4.1: 1 of 1,613,502 alleles (0.000062%); highest among the groups gnomAD compares: Non-Finnish European, 0.000085%; no homozygotes.

Submissions (2):

Ambry Genetics
Classification: Uncertain significance for Inborn genetic diseases. Last evaluated: 2026-03-11. Review status: criteria provided, single submitter. Criteria: Ambry Variant Classification Scheme 2023. Collection method: clinical testing. Allele origin: germline.
Comment: The p.S956L variant (also known as c.2867C>T), located in coding exon 14 of the FANCM gene, results from a C to T substitution at nucleotide position 2867. The serine at codon 956 is replaced by leucine, an amino acid with dissimilar properties. This amino acid position is conserved. In addition, this alteration is predicted to be tolerated by in silico analysis. Based on the available evidence, the clinical significance of this variant remains unclear.

Quest Diagnostics Nichols Institute San Juan Capistrano
Classification: Uncertain significance. Last evaluated: 2025-07-08. Review status: criteria provided, single submitter. Criteria: Quest Diagnostics criteria. Collection method: clinical testing. Allele origin: unknown.
Comment: The FANCM c.2867C>T (p.Ser956Leu) variant has been reported in the published literature in an individual with thyroid cancer (PMID: 29615459 (2018)). This variant has not been reported in large, multi-ethnic general populations (Genome Aggregation Database). Analysis of this variant using bioinformatics tools for the prediction of the effect of amino acid changes on protein structure and function yielded predictions that this variant is benign. Based on the available information, we are unable to determine the clinical significance of this variant.

Literature cited by the submitters: PubMed 29615459 (cited by Quest Diagnostics Nichols Institute San Juan Capistrano).